The following is an entry in ClinVar:

ClinVar aggregate classification (germline): Uncertain significance (1 of 4 stars; one submission).

Allele frequency attached by ClinVar (database versions not stated): gnomAD 0.00001.
gnomAD v4.1: 14 of 1,614,082 alleles (0.00087%); highest among the groups gnomAD compares: African/African-American, 0.0027%; no homozygotes.

Submission:

Labcorp Genetics (formerly Invitae), Labcorp
Classification: Uncertain significance. Last evaluated: 2025-04-14. Review status: criteria provided, single submitter. Criteria: Invitae Variant Classification Sherloc (09022015). Collection method: clinical testing. Allele origin: germline.
Comment: This sequence change replaces arginine, which is basic and polar, with leucine, which is neutral and non-polar, at codon 207 of the RGS9 protein (p.Arg207Leu). This variant is present in population databases (no rsID available, gnomAD 0.02%). This variant has not been reported in the literature in individuals affected with RGS9-related conditions. ClinVar contains an entry for this variant (Variation ID: 950384). Invitae Evidence Modeling of protein sequence and biophysical properties (such as structural, functional, and spatial information, amino acid conservation, physicochemical variation, residue mobility, and thermodynamic stability) indicates that this missense variant is not expected to disrupt RGS9 protein function with a negative predictive value of 80%. In summary, the available evidence is currently insufficient to determine the role of this variant in disease. Therefore, it has been classified as a Variant of Uncertain Significance.

NM_003835.4(RGS9):c.620G>T (p.Arg207Leu)

Gene: RGS9 (regulator of G protein signaling 9; plus strand). Cytogenetic location: 17q24.1.
Variant type: single nucleotide variant.
Coding change: c.620G>T on transcript NM_003835.4 (MANE Select); coding-DNA position 620, G replaced by T.
Protein change: p.Arg207Leu; replaces arginine 207 with leucine.
Molecular consequence: missense variant.
Genome position (GRCh38, 1-based): chr17:65,177,769, G>T. VCF-style: chr17-65177769-G-T. GRCh37 (hg19) VCF-style: chr17-63173887-G-T.
Other names: c.620G>T, p.Arg207Leu (NM_001081955.3, NM_001165933.2); short protein forms R207L.
Identifiers: ClinVar variation 950384 (VCV000950384.9), dbSNP rs982923069, ClinGen allele CA293045193.